The following is an entry in ClinVar:

NM_000037.4(ANK1):c.2126G>C (p.Ser709Thr)

Gene: ANK1 (ankyrin 1; minus strand). Cytogenetic location: 8p11.21.
Variant type: single nucleotide variant.
Coding change: c.2126G>C on transcript NM_000037.4 (MANE Select); coding-DNA position 2126, G replaced by C.
Protein change: p.Ser709Thr; replaces serine 709 with threonine.
Molecular consequence: missense variant.
Genome position (GRCh38, 1-based): chr8:41,704,444, C>G on the plus strand (G>C on the coding strand, the complement: ANK1 is on the minus strand). VCF-style: chr8-41704444-C-G. GRCh37 (hg19) VCF-style: chr8-41561962-C-G.
Other names: c.2225G>C, p.Ser742Thr (NM_001142446.2); c.2126G>C, p.Ser709Thr (NM_020475.3, NM_020476.3, NM_020477.3); short protein forms S709T, S742T.
Identifiers: ClinVar variation 3660826 (VCV003660826.2).

ClinVar aggregate classification (germline): Uncertain significance (1 of 4 stars; one submission).

Submission:

Labcorp Genetics (formerly Invitae), Labcorp
Classification: Uncertain significance. Last evaluated: 2024-07-30. Review status: criteria provided, single submitter. Criteria: Invitae Variant Classification Sherloc (09022015). Collection method: clinical testing. Allele origin: germline.
Comment: This sequence change replaces serine, which is neutral and polar, with threonine, which is neutral and polar, at codon 709 of the ANK1 protein (p.Ser709Thr). This variant is not present in population databases (gnomAD no frequency). This variant has not been reported in the literature in individuals affected with ANK1-related conditions. Advanced modeling of protein sequence and biophysical properties (such as structural, functional, and spatial information, amino acid conservation, physicochemical variation, residue mobility, and thermodynamic stability) performed at Invitae indicates that this missense variant is expected to disrupt ANK1 protein function with a positive predictive value of 80%. In summary, the available evidence is currently insufficient to determine the role of this variant in disease. Therefore, it has been classified as a Variant of Uncertain Significance.